The following is an entry in ClinVar:

ClinVar aggregate classification (germline): Uncertain significance (1 of 4 stars; one submission).

Conditions:
Inborn genetic diseases. Identifiers: MedGen C0950123, MeSH D030342.

Allele frequency attached by ClinVar (database versions not stated): TOPMed 0.00001.

Submission:

Ambry Genetics
Classification: Uncertain significance for Inborn genetic diseases. Last evaluated: 2022-11-27. Review status: criteria provided, single submitter. Criteria: Ambry Variant Classification Scheme 2023. Collection method: clinical testing. Allele origin: germline.
Comment: The p.E412A variant (also known as c.1235A>C), located in coding exon 7 of the LTBP3 gene, results from an A to C substitution at nucleotide position 1235. The glutamic acid at codon 412 is replaced by alanine, an amino acid with dissimilar properties. This amino acid position is conserved. In addition, the in silico prediction for this alteration is inconclusive. Since supporting evidence is limited at this time, the clinical significance of this alteration remains unclear.

NM_001130144.3(LTBP3):c.1235A>C (p.Glu412Ala)

Gene: LTBP3 (latent transforming growth factor beta binding protein 3; minus strand). Cytogenetic location: 11q13.1.
Variant type: single nucleotide variant.
Coding change: c.1235A>C on transcript NM_001130144.3 (MANE Select); coding-DNA position 1235, A replaced by C.
Protein change: p.Glu412Ala; replaces glutamic acid 412 with alanine.
Molecular consequence: missense variant.
Genome position (GRCh38, 1-based): chr11:65,552,358, T>G on the plus strand (A>C on the coding strand, the complement: LTBP3 is on the minus strand). VCF-style: chr11-65552358-T-G. GRCh37 (hg19) VCF-style: chr11-65319829-T-G.
Other names: c.884A>C, p.Glu295Ala (NM_001164266.1); c.1235A>C, p.Glu412Ala (NM_021070.4); short protein forms E412A, E295A.
Identifiers: ClinVar variation 2447583 (VCV002447583.2), dbSNP rs1021020106, ClinGen allele CA223969051.